The following is an entry in ClinVar:

ClinVar aggregate classification (germline): Uncertain significance (1 of 4 stars; one submission).

Conditions:
Epidermolysis bullosa simplex with nail dystrophy (EBS5D). Identifiers: MedGen C4225309, MONDO:0014661, OMIM 616487.
Epidermolysis bullosa simplex, Ogna type (EBS5A). Also called: EPIDERMOLYSIS BULLOSA SIMPLEX 5A, OGNA TYPE; Pidermolysis bullosa simplex 5A, Ogna type. Identifiers: Orphanet 79401, MedGen C0432317, MONDO:0007555, OMIM 131950.
Autosomal recessive limb-girdle muscular dystrophy type 2Q (LGMDR17). Also called: MUSCULAR DYSTROPHY, LIMB-GIRDLE, AUTOSOMAL RECESSIVE 17. Identifiers: Orphanet 254361, MedGen C3150989, MONDO:0013390, OMIM 613723.
Epidermolysis bullosa simplex 5B, with muscular dystrophy (EBS5B). Also called: EPIDERMOLYSIS BULLOSA SIMPLEX AND LIMB-GIRDLE MUSCULAR DYSTROPHY; Epidermolysis bullosa simplex with muscular dystrophy. Identifiers: Orphanet 257, MedGen C2931072, MONDO:0009181, OMIM 226670.
Epidermolysis bullosa simplex 5C, with pyloric atresia (EBS5C). Also called: PLEC1-Related Epidermolysis Bullosa with Pyloric Atresia; PLEC-Related Epidermolysis Bullosa with Pyloric Atresia; Epidermolysis bullosa simplex with pyloric atresia. Identifiers: Orphanet 158684, MedGen C2677349, MONDO:0012807, OMIM 612138.

gnomAD v4.1: 8 of 1,609,930 alleles (0.0005%); highest among the groups gnomAD compares: East Asian, 0.011%; no homozygotes.

Submission:

Labcorp Genetics (formerly Invitae), Labcorp
Classification: Uncertain significance for Autosomal recessive limb-girdle muscular dystrophy type 2Q; Epidermolysis bullosa simplex, Ogna type; Epidermolysis bullosa simplex with nail dystrophy; Epidermolysis bullosa simplex 5C, with pyloric atresia; Epidermolysis bullosa simplex 5B, with muscular dystrophy. Last evaluated: 2024-08-22. Review status: criteria provided, single submitter. Criteria: Invitae Variant Classification Sherloc (09022015). Collection method: clinical testing. Allele origin: germline.
Comment: This sequence change replaces isoleucine, which is neutral and non-polar, with valine, which is neutral and non-polar, at codon 3650 of the PLEC protein (p.Ile3650Val). This variant is present in population databases (rs782010477, gnomAD 0.008%). This variant has not been reported in the literature in individuals affected with PLEC-related conditions. An algorithm developed to predict the effect of missense changes on protein structure and function (PolyPhen-2) suggests that this variant is likely to be disruptive. In summary, the available evidence is currently insufficient to determine the role of this variant in disease. Therefore, it has been classified as a Variant of Uncertain Significance.

NM_201384.3(PLEC):c.10867A>G (p.Ile3623Val)

Gene: PLEC (plectin; minus strand). Cytogenetic location: 8q24.3.
Variant type: single nucleotide variant.
Coding change: c.10867A>G on transcript NM_201384.3 (MANE Select); coding-DNA position 10867, A replaced by G.
Protein change: p.Ile3623Val; replaces isoleucine 3623 with valine.
Molecular consequence: missense variant.
Genome position (GRCh38, 1-based): chr8:143,918,954, T>C on the plus strand (A>G on the coding strand, the complement: PLEC is on the minus strand). VCF-style: chr8-143918954-T-C. GRCh37 (hg19) VCF-style: chr8-144993122-T-C.
Other names: c.10948A>G, p.Ile3650Val (NM_000445.5); c.7567A>G, p.Ile2523Val (NM_001410941.1); c.10825A>G, p.Ile3609Val (NM_201378.4); c.10801A>G, p.Ile3601Val (NM_201379.3); c.11278A>G, p.Ile3760Val (NM_201380.4); c.10771A>G, p.Ile3591Val (NM_201381.3); c.10867A>G, p.Ile3623Val (NM_201382.4); c.10879A>G, p.Ile3627Val (NM_201383.3); short protein forms I2523V, I3591V, I3601V, I3609V, I3623V, I3627V, I3650V, I3760V.
Identifiers: ClinVar variation 3760740 (VCV003760740.2).
Genomic context (GRCh38, chr8:143,918,954, plus strand): 5'-CGTAGTCGTAGGAGGCCAGACCCTGCTGGCGGATGATCTCTGTCTTCTCAATGATCTCGA[T>C]GATGATGATGATCATGCGTTCCTTGGTCACCCGGCCGGCCTGGAAGTCAGCCATCAGCTG-3'
Protein context (NP_958786.1, residues 3613-3633): VTKERMIIII[Ile3623Val]EIIEKTEIIR